The following is an entry in ClinVar:

ClinVar aggregate classification (germline): Pathogenic (1 of 4 stars; one submission).

Submission:

GeneDx
Classification: Pathogenic. Last evaluated: 2019-04-09. Review status: criteria provided, single submitter. Criteria: GeneDx Variant Classification Process June 2021. Collection method: clinical testing. Allele origin: germline. Affected: yes.
Comment: Frameshift variant predicted to result in protein truncation as the last 13 amino acids are lost and replaced with 6 incorrect amino acids, although loss-of-function variants have not been reported downstream of this position in the protein; Not observed in large population cohorts (Lek et al., 2016); This variant is associated with the following publications: (PMID: 28191890, 25363768)

NM_001190274.2(FBXO11):c.2744_2745del (p.Ser915fs)

Genes: FBXO11 (F-box protein 11; minus strand), MSH6 (mutS homolog 6; plus strand). Cytogenetic location: 2p16.3.
Variant type: Microsatellite.
Coding change: c.2744_2745del on transcript NM_001190274.2 (MANE Select); coding-DNA positions 2744 to 2745, 2 bases deleted (CT; older notation c.2744_2745delCT).
Protein change: p.Ser915fs; shifts the reading frame from serine 915.
Molecular consequence: frameshift variant.
Genome position (GRCh38, 1-based): chr2:47,808,157-47,808,158, AG deleted on the plus strand (CT on the coding strand, the reverse complement: FBXO11 is on the minus strand); deleting any 2 consecutive bases within chr2:47,808,157-47,808,160 gives the same sequence; the c. name uses the placement nearest the transcript's 3' end. VCF-style (leftmost placement, unchanged base first): chr2-47808156-CAG-C. GRCh37 (hg19) VCF-style: chr2-48035295-CAG-C.
Other names: c.2492_2493del, p.Ser831fs (NM_001374325.1, NM_025133.4); short protein forms S831fs, S915fs.
Identifiers: ClinVar variation 1200593 (VCV001200593.3), dbSNP rs1670354261, ClinGen allele CA2496055585.